The following is an entry in ClinVar:

NM_007118.4(TRIO):c.1704G>T (p.Leu568=)

Gene: TRIO (trio Rho guanine nucleotide exchange factor; plus strand). Cytogenetic location: 5p15.2.
Variant type: single nucleotide variant.
Coding change: c.1704G>T on transcript NM_007118.4 (MANE Select); coding-DNA position 1704, G replaced by T.
Protein change: p.Leu568=; no amino-acid change (leucine 568 retained).
Molecular consequence: synonymous variant. On other transcripts: non-coding transcript variant (1).
Genome position (GRCh38, 1-based): chr5:14,316,716, G>T. VCF-style: chr5-14316716-G-T. GRCh37 (hg19) VCF-style: chr5-14316825-G-T.
Identifiers: ClinVar variation 2655312 (VCV002655312.24), dbSNP rs776261165, ClinGen allele CA3205698.
Genomic context (GRCh38, chr5:14,316,716, plus strand): 5'-GCGGCAGCTGGAGAACATCTGGCAACACCGCAAGGTCCGGCTGCATCAGAGGCTGCAGCT[G>T]TGTGTTTTCCAGCAGGACGTTCAGCAGGTCAGTTTCGCCTCATGCCCTTCTGCATGGGAA-3'
Protein context (NP_009049.2, residues 558-578): RKVRLHQRLQ[Leu568=]CVFQQDVQQV

ClinVar aggregate classification (germline): Likely benign (1 of 4 stars; one submission).

Allele frequency attached by ClinVar (database versions not stated): TOPMed below 0.00001.
gnomAD v4.1: 5 of 1,614,076 alleles (0.00031%); highest among the groups gnomAD compares: Admixed American, 0.0083%; no homozygotes.

Submission:

CeGaT Center for Human Genetics Tuebingen
Classification: Likely benign. Last evaluated: 2022-08-01. Review status: criteria provided, single submitter. Criteria: CeGaT Center For Human Genetics Tuebingen Variant Classification Criteria Version 2. Collection method: clinical testing. Allele origin: germline. Affected: yes. Observed: 1 variant allele.
Comment: TRIO: BP4, BP7